The following is an entry in ClinVar:

NM_198880.3(QRICH1):c.859C>A (p.Leu287Met)

Gene: QRICH1 (glutamine rich 1; minus strand). Cytogenetic location: 3p21.31.
Variant type: single nucleotide variant.
Coding change: c.859C>A on transcript NM_198880.3 (MANE Select); coding-DNA position 859, C replaced by A.
Protein change: p.Leu287Met; replaces leucine 287 with methionine.
Molecular consequence: missense variant.
Genome position (GRCh38, 1-based): chr3:49,057,341, G>T on the plus strand (C>A on the coding strand, the complement: QRICH1 is on the minus strand). VCF-style: chr3-49057341-G-T. GRCh37 (hg19) VCF-style: chr3-49094774-G-T.
Other names: c.859C>A, p.Leu287Met (NM_001320580.2, NM_001320581.2, NM_001320582.2 and 4 more transcripts); short protein forms L287M.
Identifiers: ClinVar variation 4082608 (VCV004082608.1).

ClinVar aggregate classification (germline): Uncertain significance (1 of 4 stars; one submission).

Submission:

GeneDx
Classification: Uncertain significance. Last evaluated: 2025-03-06. Review status: criteria provided, single submitter. Criteria: GeneDx Variant Classification Process June 2021. Collection method: clinical testing. Allele origin: germline. Affected: yes.
Comment: Not observed at significant frequency in large population cohorts (gnomAD); In silico analysis indicates that this missense variant does not alter protein structure/function; Has not been previously published as pathogenic or benign to our knowledge